The following is an entry in ClinVar:

NM_001395002.1(MAP4K4):c.770A>G (p.Lys257Arg)

Gene: MAP4K4 (mitogen-activated protein kinase kinase kinase kinase 4; plus strand). Cytogenetic location: 2q11.2.
Variant type: single nucleotide variant.
Coding change: c.770A>G on transcript NM_001395002.1 (MANE Select); coding-DNA position 770, A replaced by G.
Protein change: p.Lys257Arg; replaces lysine 257 with arginine.
Molecular consequence: missense variant.
Genome position (GRCh38, 1-based): chr2:101,835,975, A>G. VCF-style: chr2-101835975-A-G. GRCh37 (hg19) VCF-style: chr2-102452437-A-G.
Other names: c.770A>G, p.Lys257Arg (NM_001384484.1, NM_001384485.1, NM_001384486.1 and 28 more transcripts); c.743A>G, p.Lys248Arg (NM_001384549.1, NM_001384550.1, NM_001384551.1 and 16 more transcripts); short protein forms K248R, K257R.
Identifiers: ClinVar variation 3898687 (VCV003898687.7).

ClinVar aggregate classification (germline): Uncertain significance (1 of 4 stars; one submission).

Submission:

CeGaT Center for Human Genetics Tuebingen
Classification: Uncertain significance. Last evaluated: 2025-04-01. Review status: criteria provided, single submitter. Criteria: CeGaT Center For Human Genetics Tuebingen Variant Classification Criteria Version 2. Collection method: clinical testing. Allele origin: germline. Affected: yes. Observed: 1 variant allele.
Comment: MAP4K4: PM2, PP2, PS2:Supporting, BP5